The following is an entry in ClinVar:

NM_005732.4(RAD50):c.24C>T (p.Ser8=)

Gene: RAD50 (RAD50 double strand break repair protein; plus strand). Cytogenetic location: 5q31.1.
Variant type: single nucleotide variant.
Coding change: c.24C>T on transcript NM_005732.4 (MANE Select); coding-DNA position 24, C replaced by T.
Protein change: p.Ser8=; no amino-acid change (serine 8 retained).
Molecular consequence: synonymous variant.
Genome position (GRCh38, 1-based): chr5:132,557,348, C>T. VCF-style: chr5-132557348-C-T. GRCh37 (hg19) VCF-style: chr5-131893040-C-T.
Identifiers: ClinVar variation 185984 (VCV000185984.17), dbSNP rs146833872, ClinGen allele CA193563.

ClinVar aggregate classification (germline): Likely benign. Review status: criteria provided, multiple submitters, no conflicts (2 of 4 stars). 3 submissions from 3 submitters: Likely benign (2). 1 of the submissions does not count toward it. Last evaluated 2025-11-17.

Conditions:
RAD50-related disorder. Also called: RAD50-related condition.
Hereditary cancer-predisposing syndrome. Also called: Hereditary neoplastic syndrome; Neoplastic Syndromes, Hereditary; Tumor predisposition; Hereditary Cancer Syndrome. Identifiers: Orphanet 140162, MedGen C0027672, MeSH D009386, MONDO:0015356.

Allele frequency attached by ClinVar (database versions not stated): gnomAD exomes 0.00003; ExAC 0.00004; gnomAD 0.00004; TOPMed 0.00004; ESP Exome Variant Server 0.00015.
gnomAD v4.1: 56 of 1,613,998 alleles (0.0035%); highest among the groups gnomAD compares: Non-Finnish European, 0.0046%; no homozygotes.

Submissions (3):

Labcorp Genetics (formerly Invitae), Labcorp
Classification: Likely benign for Hereditary cancer-predisposing syndrome. Last evaluated: 2025-11-17. Review status: criteria provided, single submitter. Criteria: Invitae Variant Classification Sherloc (09022015). Collection method: clinical testing. Allele origin: germline.

Ambry Genetics
Classification: Likely benign for Hereditary cancer-predisposing syndrome. Last evaluated: 2014-08-21. Review status: criteria provided, single submitter. Criteria: Ambry Variant Classification Scheme 2023. Collection method: clinical testing. Allele origin: germline.

PreventionGenetics, part of Exact Sciences
Classification: Likely benign for RAD50-related condition. Last evaluated: 2024-07-31. Review status: no assertion criteria provided. Collection method: clinical testing. Allele origin: germline. Not counted in ClinVar's aggregate classification.
Comment: This variant is classified as likely benign based on ACMG/AMP sequence variant interpretation guidelines (Richards et al. 2015 PMID: 25741868, with internal and published modifications).